The following is an entry in ClinVar:

ClinVar aggregate classification (germline): Uncertain significance. Review status: criteria provided, multiple submitters, no conflicts (2 of 4 stars). 2 submissions from 2 submitters: Uncertain significance (2). Last evaluated 2025-04-30.

Conditions:
Norman-Roberts syndrome (LIS2). Also called: Lissencephaly 2 (Norman-Roberts type). Identifiers: Orphanet 89844, MedGen C0796089, MONDO:0009760, OMIM 257320.
Familial temporal lobe epilepsy 7. Identifiers: Orphanet 101046, MedGen C4225327, MONDO:0014639, OMIM 616436.
Inborn genetic diseases. Identifiers: MedGen C0950123, MeSH D030342.

gnomAD v4.1: 11 of 1,613,944 alleles (0.00068%); highest among the groups gnomAD compares: Non-Finnish European, 0.00059%; no homozygotes.

Submissions (2):

Ambry Genetics
Classification: Uncertain significance for Inborn genetic diseases. Last evaluated: 2025-04-30. Review status: criteria provided, single submitter. Criteria: Ambry Variant Classification Scheme 2023. Collection method: clinical testing. Allele origin: germline.

Labcorp Genetics (formerly Invitae), Labcorp
Classification: Uncertain significance for Familial temporal lobe epilepsy 7; Norman-Roberts syndrome. Last evaluated: 2024-10-12. Review status: criteria provided, single submitter. Criteria: Invitae Variant Classification Sherloc (09022015). Collection method: clinical testing. Allele origin: germline.
Comment: This sequence change replaces cysteine, which is neutral and slightly polar, with tyrosine, which is neutral and polar, at codon 2763 of the RELN protein (p.Cys2763Tyr). This variant is not present in population databases (gnomAD no frequency). This variant has not been reported in the literature in individuals affected with RELN-related conditions. Invitae Evidence Modeling of protein sequence and biophysical properties (such as structural, functional, and spatial information, amino acid conservation, physicochemical variation, residue mobility, and thermodynamic stability) indicates that this missense variant is not expected to disrupt RELN protein function with a negative predictive value of 80%. In summary, the available evidence is currently insufficient to determine the role of this variant in disease. Therefore, it has been classified as a Variant of Uncertain Significance.

NM_005045.4(RELN):c.8288G>A (p.Cys2763Tyr)

Genes: SLC26A5-AS1 (SLC26A5 antisense RNA 1; plus strand), RELN (reelin; minus strand). Cytogenetic location: 7q22.1.
Variant type: single nucleotide variant.
Coding change: c.8288G>A on transcript NM_005045.4 (MANE Select); coding-DNA position 8288, G replaced by A.
Protein change: p.Cys2763Tyr; replaces cysteine 2763 with tyrosine.
Molecular consequence: missense variant.
Genome position (GRCh38, 1-based): chr7:103,503,217, C>T on the plus strand (G>A on the coding strand, the complement: RELN is on the minus strand). VCF-style: chr7-103503217-C-T. GRCh37 (hg19) VCF-style: chr7-103143664-C-T.
Other names: c.8288G>A (NM_005045.3); c.8288G>A, p.Cys2763Tyr (NM_173054.3); short protein forms C2763Y.
Identifiers: ClinVar variation 3762251 (VCV003762251.3).